The following is an entry in ClinVar:

ClinVar aggregate classification (germline): Likely benign. Review status: criteria provided, single submitter (1 of 4 stars). 2 submissions from 2 submitters: Likely benign (1). 1 of the submissions does not count toward it. Last evaluated 2024-01-29.

Conditions:
IFT172-related disorder. Also called: IFT172-related disorders; IFT172-related condition.
Short-rib thoracic dysplasia 10 with or without polydactyly (SRTD10). Identifiers: Orphanet 474, MedGen C3810175, MONDO:0014284, OMIM 615630.
Retinitis pigmentosa 71 (RP71). Identifiers: Orphanet 791, MedGen C4225342, MONDO:0014618, OMIM 616394.

gnomAD v4.1: 3 of 1,614,240 alleles (0.00019%); highest among the groups gnomAD compares: Non-Finnish European, 0.00025%; no homozygotes.

Submissions (2):

Labcorp Genetics (formerly Invitae), Labcorp
Classification: Likely benign for Retinitis pigmentosa 71; Short-rib thoracic dysplasia 10 with or without polydactyly. Last evaluated: 2024-01-29. Review status: criteria provided, single submitter. Criteria: Invitae Variant Classification Sherloc (09022015). Collection method: clinical testing. Allele origin: germline.

PreventionGenetics, part of Exact Sciences
Classification: Likely benign for IFT172-related condition. Last evaluated: 2023-07-07. Review status: no assertion criteria provided. Collection method: clinical testing. Allele origin: germline. Not counted in ClinVar's aggregate classification.
Comment: This variant is classified as likely benign based on ACMG/AMP sequence variant interpretation guidelines (Richards et al. 2015 PMID: 25741868, with internal and published modifications).

NM_015662.3(IFT172):c.4756-9T>G

Genes: IFT172 (intraflagellar transport 172; minus strand), KRTCAP3 (keratinocyte associated protein 3; plus strand). Cytogenetic location: 2p23.3.
Variant type: single nucleotide variant.
Coding change: c.4756-9T>G on transcript NM_015662.3 (MANE Select); 9 bases into the intron before coding-DNA position 4756, T replaced by G.
Molecular consequence: intron variant.
Genome position (GRCh38, 1-based): chr2:27,445,997, A>C on the plus strand (T>G on the coding strand, the complement: IFT172 is on the minus strand). VCF-style: chr2-27445997-A-C. GRCh37 (hg19) VCF-style: chr2-27668864-A-C.
Other names: c.4690-9T>G (NM_001410739.1); c.*6-304A>C (NM_001168364.2).
Identifiers: ClinVar variation 2922998 (VCV002922998.4), dbSNP rs1487163955, ClinGen allele CA531765493.